The following is an entry in ClinVar:

ClinVar aggregate classification (germline): Uncertain significance. Review status: criteria provided, multiple submitters, no conflicts (2 of 4 stars). 3 submissions from 3 submitters: Uncertain significance (3). Last evaluated 2025-08-21.

Conditions:
Inborn genetic diseases. Identifiers: MedGen C0950123, MeSH D030342.
Congenital disorder of glycosylation, type Iaa. Also called: Congenital disorder of glycosylation, type 1aa. Identifiers: MedGen C4310727, MONDO:0014904, OMIM 617082.

Allele frequency attached by ClinVar (database versions not stated): TOPMed 0.00002.

Submissions (3):

Ambry Genetics
Classification: Uncertain significance for Inborn genetic diseases. Last evaluated: 2025-08-21. Review status: criteria provided, single submitter. Criteria: Ambry Variant Classification Scheme 2023. Collection method: clinical testing. Allele origin: germline.

GeneDx
Classification: Uncertain significance. Last evaluated: 2025-05-01. Review status: criteria provided, single submitter. Criteria: GeneDx Variant Classification Process June 2021. Collection method: clinical testing. Allele origin: germline. Affected: yes.
Comment: In silico analysis suggests that this missense variant does not alter protein structure/function; Has not been previously published as pathogenic or benign to our knowledge

Labcorp Genetics (formerly Invitae), Labcorp
Classification: Uncertain significance for Congenital disorder of glycosylation, type Iaa. Last evaluated: 2023-12-11. Review status: criteria provided, single submitter. Criteria: Invitae Variant Classification Sherloc (09022015). Collection method: clinical testing. Allele origin: germline.
Comment: This sequence change replaces arginine, which is basic and polar, with serine, which is neutral and polar, at codon 92 of the NUS1 protein (p.Arg92Ser). This variant is present in population databases (no rsID available, gnomAD 0.007%). This variant has not been reported in the literature in individuals affected with NUS1-related conditions. ClinVar contains an entry for this variant (Variation ID: 1985470). An algorithm developed to predict the effect of missense changes on protein structure and function (PolyPhen-2) suggests that this variant is likely to be tolerated. In summary, the available evidence is currently insufficient to determine the role of this variant in disease. Therefore, it has been classified as a Variant of Uncertain Significance.

NM_138459.5(NUS1):c.274C>A (p.Arg92Ser)

Gene: NUS1 (NUS1 dehydrodolichyl diphosphate synthase subunit; plus strand). Cytogenetic location: 6q22.1.
Variant type: single nucleotide variant.
Coding change: c.274C>A on transcript NM_138459.5 (MANE Select); coding-DNA position 274, C replaced by A.
Protein change: p.Arg92Ser; replaces arginine 92 with serine.
Molecular consequence: missense variant.
Genome position (GRCh38, 1-based): chr6:117,675,944, C>A. VCF-style: chr6-117675944-C-A. GRCh37 (hg19) VCF-style: chr6-117997107-C-A.
Other names: c.274C>A (NM_138459.3); short protein forms R92S.
Identifiers: ClinVar variation 1985470 (VCV001985470.6), dbSNP rs1035585867, ClinGen allele CA146431398.
Genomic context (GRCh38, chr6:117,675,944, plus strand): 5'-CCGCGCGGGGGGTCGTGCCTGGCAGCCGCACACCACCGGATGCGCTGGCGCGCGGACGGT[C>A]GTTCCTTGGAGAAGCTGCCTGTGCATATGGGCCTGGTGATCACCGAGGTGGAGCAGGAAC-3'
Protein context (NP_612468.1, residues 82-102): HHRMRWRADG[Arg92Ser]SLEKLPVHMG